The following is an entry in ClinVar:

ClinVar aggregate classification (germline): Uncertain significance (1 of 4 stars; one submission).

Submission:

ISCA Site 6
Classification: Uncertain significance. Last evaluated: 2011-08-12. Review status: criteria provided, single submitter. Criteria: Kaminsky et al. (Genet Med. 2011). Collection method: clinical testing. Allele origin: unknown. Affected: yes. Observed: 1 variant allele.
Comment: Copy number variation identified through the course of routine clinical cytogenomic testing in postnatal populations. Clinical assertions have been curated as described in Kaminsky et al. 2011.

GRCh38/hg38 2p11.2(chr2:86073968-86251223)x3

Genes: IMMT (inner membrane mitochondrial protein; minus strand), MIR4779 (microRNA 4779; minus strand), MRPL35 (mitochondrial ribosomal protein L35; plus strand), POLR1A (RNA polymerase I subunit A; minus strand), PTCD3 (pentatricopeptide repeat domain 3; plus strand) and 14 more. Cytogenetic location: 2p11.2.
Variant type: copy number gain.
Change: copy number 3 (three copies instead of two) of chr2:86,073,968-86,251,223 (177.3 kb, GRCh38 coordinates, 1-based), cytogenetic band 2p11.2.
Identifiers: ClinVar variation 58876 (VCV000058876.2).